The following is an entry in ClinVar:

ClinVar aggregate classification (germline): Uncertain significance (1 of 4 stars; one submission).

Conditions:
Hydatidiform mole, recurrent, 1 (HYDM1). Identifiers: Orphanet 254688, Orphanet 99927, MedGen C3463897, MONDO:0009273, OMIM 231090. Disease mechanism: loss of function.

Submission:

Juno Genomics, Hangzhou Juno Genomics, Inc
Classification: Uncertain significance for Hydatidiform mole, recurrent, 1. Review status: criteria provided, single submitter. Criteria: ACMG Guidelines, 2015. Collection method: clinical testing. Allele origin: germline. Affected: yes.
Comment: Absent from controls (or at extremely low frequency if recessive) in Genome Aggregation Database.;For recessive disorders, detected in trans with a pathogenic variant.;Patient's phenotype or family history is highly specific for a disease with a single genetic etiology.

NM_001127255.2(NLRP7):c.939del (p.Gln314fs)

Gene: NLRP7 (NLR family pyrin domain containing 7; minus strand). Cytogenetic location: 19q13.42.
Variant type: Deletion.
Coding change: c.939del on transcript NM_001127255.2 (MANE Select); coding-DNA position 939, one base deleted (G; older notation c.939delG).
Protein change: p.Gln314fs; shifts the reading frame from glutamine 314.
Molecular consequence: frameshift variant.
Genome position (GRCh38, 1-based): chr19:54,939,880, C deleted on the plus strand (G on the coding strand, the reverse complement: NLRP7 is on the minus strand). VCF-style (leftmost placement, unchanged base first): chr19-54939879-GC-G. GRCh37 (hg19) VCF-style: chr19-55451247-GC-G.
Other names: c.939del, p.Gln314fs (NM_001405531.1, NM_139176.4, NM_206828.4); short protein forms Q314fs.
Identifiers: ClinVar variation 5037965 (VCV005037965.1).